The following is an entry in ClinVar:

NM_005859.5(PURA):c.267del (p.Glu90fs)

Gene: PURA (purine rich element binding protein A; plus strand). Cytogenetic location: 5q31.3.
Variant type: Deletion.
Coding change: c.267del on transcript NM_005859.5 (MANE Select); coding-DNA position 267, one base deleted (C; older notation c.267delC).
Protein change: p.Glu90fs; shifts the reading frame from glutamic acid 90.
Molecular consequence: frameshift variant.
Genome position (GRCh38, 1-based): chr5:140,114,448, C deleted; the last of 2 consecutive C bases (chr5:140,114,447-140,114,448); deleting either gives the same sequence. VCF-style (leftmost placement, unchanged base first): chr5-140114446-GC-G. GRCh37 (hg19) VCF-style: chr5-139494031-GC-G.
Other names: short protein forms E90fs.
Identifiers: ClinVar variation 419131 (VCV000419131.5), dbSNP rs1064793665, ClinGen allele CA16618125.
Genomic context (GRCh38, chr5:140,114,446, plus strand): 5'-CAGAACAAGCGCTTCTACCTGGACGTGAAGCAGAACGCCAAGGGCCGCTTCCTGAAGATC[GC>G]CGAGGTGGGCGCGGGCGGCAACAAGAGCCGCCTTACTCTCTCCATGTCAGTGGCCGTGGA-3'

ClinVar aggregate classification (germline): Pathogenic. Review status: criteria provided, multiple submitters, no conflicts (2 of 4 stars). 2 submissions from 2 submitters: Pathogenic (2). Last evaluated 2023-04-25.

Conditions:
PURA-related severe neonatal hypotonia-seizures-encephalopathy syndrome (NEDRIHF). Also called: NEURODEVELOPMENTAL DISORDER WITH NEONATAL RESPIRATORY INSUFFICIENCY, HYPOTONIA, AND FEEDING DIFFICULTIES; PURA-Related Neurodevelopmental Disorders. Identifiers: Orphanet 438213, Orphanet 438216, MedGen C4015357, MONDO:1060108, OMIM 616158, MONDO:0018580.

Submissions (2):

Labcorp Genetics (formerly Invitae), Labcorp
Classification: Pathogenic for PURA-related severe neonatal hypotonia-seizures-encephalopathy syndrome. Last evaluated: 2023-04-25. Review status: criteria provided, single submitter. Criteria: Invitae Variant Classification Sherloc (09022015). Collection method: clinical testing. Allele origin: germline.
Comment: ClinVar contains an entry for this variant (Variation ID: 419131). For these reasons, this variant has been classified as Pathogenic. This variant disrupts a region of the PURA protein in which other variant(s) (p.Thr310Asnfs*7) have been determined to be pathogenic (Invitae). This suggests that this is a clinically significant region of the protein, and that variants that disrupt it are likely to be disease-causing. This premature translational stop signal has been observed in individual(s) with a neurodevelopmental condition (PMID: 30919572). This variant is not present in population databases (gnomAD no frequency). This sequence change creates a premature translational stop signal (p.Glu90Argfs*135) in the PURA gene. While this is not anticipated to result in nonsense mediated decay, it is expected to disrupt the last 233 amino acid(s) of the PURA protein.

GeneDx
Classification: Pathogenic. Last evaluated: 2015-06-10. Review status: criteria provided, single submitter. Criteria: GeneDx Variant Classification (06012015). Collection method: clinical testing. Allele origin: germline. Affected: yes.
Comment: The c.267delC deletion in the PURA gene has not been reported previously as a pathogenic variantnor as a benign polymorphism, to our knowledge. The c.267delC deletion causes a frameshift starting withcodon Glutamic acid 90, changes this amino acid to a Arginine residue, and creates a premature Stopcodon at position 135 of the new reading frame, denoted p.Glu90ArgfsX135. This variant is predicted tocause loss of normal protein function through protein truncation. The c.267delC deletion was not observedin approximately 6500 individuals of European and African American ancestry in the NHLBI ExomeSequencing Project, indicating it is not a common benign variant in these populations. We interpretc.267delC as a pathogenic variant.

Literature cited by the submitters: PubMed 30919572 (cited by Labcorp Genetics (formerly Invitae), Labcorp).